The following is an entry in ClinVar:

NM_006766.5(KAT6A):c.5765T>C (p.Met1922Thr)

Gene: KAT6A (lysine acetyltransferase 6A; minus strand). Cytogenetic location: 8p11.21.
Variant type: single nucleotide variant.
Coding change: c.5765T>C on transcript NM_006766.5 (MANE Select); coding-DNA position 5765, T replaced by C.
Protein change: p.Met1922Thr; replaces methionine 1922 with threonine.
Molecular consequence: missense variant.
Genome position (GRCh38, 1-based): chr8:41,932,455, A>G on the plus strand (T>C on the coding strand, the complement: KAT6A is on the minus strand). VCF-style: chr8-41932455-A-G. GRCh37 (hg19) VCF-style: chr8-41789973-A-G.
Other names: short protein forms M1922T.
Identifiers: ClinVar variation 2834179 (VCV002834179.3), dbSNP rs2486750621, ClinGen allele CA371060435.

ClinVar aggregate classification (germline): Uncertain significance (1 of 4 stars; one submission).

Submission:

Labcorp Genetics (formerly Invitae), Labcorp
Classification: Uncertain significance. Last evaluated: 2023-12-11. Review status: criteria provided, single submitter. Criteria: Invitae Variant Classification Sherloc (09022015). Collection method: clinical testing. Allele origin: germline.
Comment: This sequence change replaces methionine, which is neutral and non-polar, with threonine, which is neutral and polar, at codon 1922 of the KAT6A protein (p.Met1922Thr). This variant is not present in population databases (gnomAD no frequency). This variant has not been reported in the literature in individuals affected with KAT6A-related conditions. Experimental studies and prediction algorithms are not available or were not evaluated, and the functional significance of this variant is currently unknown. In summary, the available evidence is currently insufficient to determine the role of this variant in disease. Therefore, it has been classified as a Variant of Uncertain Significance.